The following is an entry in ClinVar:

NM_033380.3(COL4A5):c.10C>A (p.Arg4Ser)

Gene: COL4A5 (collagen type IV alpha 5 chain; plus strand). Cytogenetic location: Xq22.3.
Variant type: single nucleotide variant.
Coding change: c.10C>A on transcript NM_033380.3 (MANE Select); coding-DNA position 10, C replaced by A.
Protein change: p.Arg4Ser; replaces arginine 4 with serine.
Molecular consequence: missense variant.
Genome position (GRCh38, 1-based): chrX:108,440,135, C>A. VCF-style: chrX-108440135-C-A. GRCh37 (hg19) VCF-style: chrX-107683365-C-A.
Other names: c.10C>A, p.Arg4Ser (NM_000495.5); short protein forms R4S.
Identifiers: ClinVar variation 3251374 (VCV003251374.2), dbSNP rs2523832601.

ClinVar aggregate classification (germline): Uncertain significance. Review status: criteria provided, multiple submitters, no conflicts (2 of 4 stars). 2 submissions from 2 submitters: Uncertain significance (2). Last evaluated 2025-11-10.

Conditions:
X-linked Alport syndrome (ATS1). Also called: NEPHROPATHY AND DEAFNESS, X-LINKED; COL4A5-Related Nephropathy. Identifiers: Orphanet 63, Orphanet 88917, MedGen C4746986, MONDO:0010520, OMIM 301050.

Submissions (2):

Myriad Genetics, Inc.
Classification: Uncertain significance for X-linked Alport syndrome. Last evaluated: 2025-11-10. Review status: criteria provided, single submitter. Criteria: Myriad Autosomal Dominant, Autosomal Recessive and X-Linked Classification Criteria (2023). Collection method: clinical testing. Allele origin: unknown.
Comment: NM_000495.4(COL4A5):c.10C>A(R4S) is a missense variant classified as a variant of uncertain significance in the context of X-linked Alport syndrome. R4S has been observed in a case with relevant disease (PMID: 37097554). Relevant functional assessments of this variant are not available in the literature. R4S has not been observed in referenced population frequency databases. In summary, there is insufficient evidence to classify NM_000495.4(COL4A5):c.10C>A(R4S) as pathogenic or benign. Please note: this variant was assessed in the context of healthy population screening.

Women's Health and Genetics/Laboratory Corporation of America, LabCorp
Classification: Uncertain significance. Last evaluated: 2024-04-10. Review status: criteria provided, single submitter. Criteria: LabCorp Variant Classification Summary - May 2015. Collection method: clinical testing. Allele origin: germline.
Comment: Variant summary: COL4A5 c.10C>A (p.Arg4Ser) results in a non-conservative amino acid change in the encoded protein sequence. Four of five in-silico tools predict a benign effect of the variant on protein function. The variant was absent in 181114 control chromosomes. The available data on variant occurrences in the general population are insufficient to allow any conclusion about variant significance. c.10C>A has been reported in the literature in at least one hemizygous male affected with Alport Syndrome 1, X-Linked Recessive (e.g., Zhou_2023). These data do not allow any conclusion about variant significance. To our knowledge, no experimental evidence demonstrating an impact on protein function has been reported. The following publication has been ascertained in the context of this evaluation (PMID: 37097554). No submitters have cited clinical-significance assessments for this variant to ClinVar. Based on the evidence outlined above, the variant was classified as uncertain significance.

Literature cited by the submitters: PubMed 37097554 (cited by Myriad Genetics, Inc. and Women's Health and Genetics/Laboratory Corporation of America, LabCorp).